The following is an entry in ClinVar:

NM_016507.4(CDK12):c.3724C>G (p.Arg1242Gly)

Gene: CDK12 (cyclin dependent kinase 12; plus strand). Cytogenetic location: 17q12.
Variant type: single nucleotide variant.
Coding change: c.3724C>G on transcript NM_016507.4 (MANE Select); coding-DNA position 3724, C replaced by G.
Protein change: p.Arg1242Gly; replaces arginine 1242 with glycine.
Molecular consequence: missense variant.
Genome position (GRCh38, 1-based): chr17:39,526,280, C>G. VCF-style: chr17-39526280-C-G. GRCh37 (hg19) VCF-style: chr17-37682533-C-G.
Other names: c.3724C>G, p.Arg1242Gly (NM_015083.4); short protein forms R1242G.
Identifiers: ClinVar variation 3265414 (VCV003265414.2).

ClinVar aggregate classification (germline): Uncertain significance (1 of 4 stars; one submission).

Submission:

Ambry Genetics
Classification: Uncertain significance. Last evaluated: 2024-11-17. Review status: criteria provided, single submitter. Criteria: Ambry Variant Classification Scheme 2023. Collection method: clinical testing. Allele origin: germline.
Comment: The p.R1242G variant (also known as c.3724C>G), located in coding exon 13 of the CDK12 gene, results from a C to G substitution at nucleotide position 3724. The arginine at codon 1242 is replaced by glycine, an amino acid with dissimilar properties. This amino acid position is conserved. In addition, this alteration is predicted to be tolerated by in silico analysis. Based on the available evidence, the clinical significance of this variant remains unclear.